The following is an entry in ClinVar:

ClinVar aggregate classification (germline): Conflicting classifications of pathogenicity. Review status: criteria provided, conflicting classifications (1 of 4 stars). 5 submissions from 5 submitters: Uncertain significance (1); Likely benign (4). Last evaluated 2025-12-30.

Conditions:
Generalized epilepsy with febrile seizures plus, type 7 (GEFSP7). Also called: GEFS+, TYPE 7. Identifiers: Orphanet 36387, MedGen C2751778, MONDO:0013470, OMIM 613863.
Neuropathy, hereditary sensory and autonomic, type 2A (HSAN2A). Also called: ACROOSTEOLYSIS, GIACCAI TYPE; ACROOSTEOLYSIS, NEUROGENIC; WNK1-Related HSAN2 (HSAN2A); HSAN IIA; MORVAN DISEASE; NEUROPATHY, CONGENITAL SENSORY. Identifiers: Orphanet 970, MedGen C2752089, MONDO:0024309, OMIM 201300.
Inborn genetic diseases. Identifiers: MedGen C0950123, MeSH D030342.
SCN9A-related disorder. Also called: SCN9A-related disorders; SCN9A-related condition.

Allele frequency attached by ClinVar (database versions not stated): TOPMed 0.00036; gnomAD 0.00037 and 0.00038; ESP Exome Variant Server 0.00046; 1000 Genomes Project 0.00060; 1000 Genomes Project 30x 0.00062; gnomAD exomes 0.00002 and 0.00009; ExAC 0.00015.
gnomAD v4.1: 88 of 1,611,722 alleles (0.0055%); highest among the groups gnomAD compares: African/African-American, 0.11%; no homozygotes.

Submissions (5):

PreventionGenetics, part of Exact Sciences
Classification: Likely benign for SCN9A-related condition. Last evaluated: 2025-12-30. Review status: criteria provided, single submitter. Criteria: ACMG Guidelines, 2015. Collection method: clinical testing. Allele origin: germline.
Comment: This variant is classified as likely benign based on ACMG/AMP sequence variant interpretation guidelines (Richards et al. 2015 PMID: 25741868, with internal and published modifications).

Labcorp Genetics (formerly Invitae), Labcorp
Classification: Likely benign for Neuropathy, hereditary sensory and autonomic, type 2A; Generalized epilepsy with febrile seizures plus, type 7. Last evaluated: 2025-12-16. Review status: criteria provided, single submitter. Criteria: Invitae Variant Classification Sherloc (09022015). Collection method: clinical testing. Allele origin: germline.

Mayo Clinic Laboratories, Mayo Clinic
Classification: Likely benign. Last evaluated: 2025-06-09. Review status: criteria provided, single submitter. Criteria: ACMG Guidelines, 2015. Collection method: clinical testing. Allele origin: germline. Observed: 2 variant alleles.
Comment: BS1, BP4, BP7

Ambry Genetics
Classification: Likely benign for Inborn genetic diseases. Last evaluated: 2019-07-11. Review status: criteria provided, single submitter. Criteria: Ambry Variant Classification Scheme 2023. Collection method: clinical testing. Allele origin: germline.

Eurofins Ntd Llc (ga)
Classification: Uncertain significance. Last evaluated: 2018-04-03. Review status: criteria provided, single submitter. Criteria: EGL ClinVar v180209 classification definitions. Collection method: clinical testing. Allele origin: germline. Observed: 1 variant allele, 1 heterozygote.

NM_001365536.1(SCN9A):c.3759T>C (p.Tyr1253=)

Genes: SCN1A-AS1 (SCN1A and SCN9A antisense RNA 1; plus strand), SCN9A (sodium voltage-gated channel alpha subunit 9; minus strand). Cytogenetic location: 2q24.3.
Variant type: single nucleotide variant.
Coding change: c.3759T>C on transcript NM_001365536.1 (MANE Select); coding-DNA position 3759, T replaced by C.
Protein change: p.Tyr1253=; no amino-acid change (tyrosine 1253 retained).
Molecular consequence: synonymous variant.
Genome position (GRCh38, 1-based): chr2:166,238,136, A>G on the plus strand (T>C on the coding strand, the complement: SCN9A is on the minus strand). VCF-style: chr2-166238136-A-G. GRCh37 (hg19) VCF-style: chr2-167094646-A-G.
Other names: p.Tyr1242=; c.3726T>C, p.Tyr1242= (NM_002977.4).
Identifiers: ClinVar variation 538491 (VCV000538491.19), dbSNP rs201640757, ClinGen allele CA1944013.